The following is an entry in ClinVar:

ClinVar aggregate classification (germline): Uncertain significance. Review status: criteria provided, multiple submitters, no conflicts (2 of 4 stars). 3 submissions from 3 submitters: Uncertain significance (3). Last evaluated 2026-01-09.

Conditions:
Dilated cardiomyopathy 1JJ (CMD1JJ). Identifiers: Orphanet 154, MedGen C3808935, MONDO:0014095, OMIM 615235.
Cardiovascular phenotype. Identifiers: MedGen CN230736.

Submissions (3):

Labcorp Genetics (formerly Invitae), Labcorp
Classification: Uncertain significance for Dilated cardiomyopathy 1JJ. Last evaluated: 2026-01-09. Review status: criteria provided, single submitter. Criteria: Invitae Variant Classification Sherloc (09022015). Collection method: clinical testing. Allele origin: germline.
Comment: This variant, c.1416_1421dup, results in the insertion of 2 amino acid(s) of the LAMA4 protein (p.Asp473_Tyr474dup), but otherwise preserves the integrity of the reading frame. This variant is present in population databases (rs782294432, gnomAD 0.05%). This variant has not been reported in the literature in individuals affected with LAMA4-related conditions. ClinVar contains an entry for this variant (Variation ID: 432525). Experimental studies and prediction algorithms are not available or were not evaluated, and the functional significance of this variant is currently unknown. In summary, the available evidence is currently insufficient to determine the role of this variant in disease. Therefore, it has been classified as a Variant of Uncertain Significance.

Ambry Genetics
Classification: Uncertain significance for Cardiovascular phenotype. Last evaluated: 2022-04-04. Review status: criteria provided, single submitter. Criteria: Ambry Variant Classification Scheme 2023. Collection method: clinical testing. Allele origin: germline.
Comment: The c.1416_1421dupTGACTA variant (also known as p.D473_Y474dup), located in coding exon 11 of the LAMA4 gene, results from an in-frame duplication of TGACTA at nucleotide positions 1416 to 1421. This results in the duplication of 2 extra residues (DY) between codons 473 and 474. This amino acid region is well conserved in available vertebrate species. In addition, this alteration is predicted to be deleterious by in silico analysis (Choi Y et al. PLoS ONE. 2012; 7(10):e46688). The evidence for this gene-disease relationship is limited; therefore, the clinical significance of this alteration is unclear.

GeneDx
Classification: Uncertain significance. Last evaluated: 2017-06-06. Review status: criteria provided, single submitter. Criteria: GeneDx Variant Classification (06012015). Collection method: clinical testing. Allele origin: germline. Affected: yes.
Comment: A variant of uncertain significance has been identified in the LAMA4 gene. The c.1416_1421dupTGACTA variant has not been published as pathogenic or been reported as benign to our knowledge. This variant is observed in 8/8624 (0.1%) alleles from individuals of East Asian ancestry in the Exome Aggregation Consortium (ExAC) dataset (Lek et al., 2016; Exome Variant Server). The c.1416_1421dupTGACTA variant results in a duplication of two amino acids. However, as this is an in-frame duplication, it is not expected to result in either an abnormal, truncated protein product or loss of protein from this allele through nonsense-mediated mRNA decay. Finally, in silico analysis is inconsistent in its predictions as to whether or not the variant is damaging to the protein structure/function.

NM_001105206.3(LAMA4):c.1437_1442dup (p.Asp480_Tyr481dup)

Gene: LAMA4 (laminin subunit alpha 4; minus strand). Cytogenetic location: 6q21.
Variant type: Duplication.
Coding change: c.1437_1442dup on transcript NM_001105206.3 (MANE Select); coding-DNA positions 1437 to 1442, 6 bases duplicated (TGACTA; older notation c.1437_1442dupTGACTA).
Protein change: p.Asp480_Tyr481dup.
Molecular consequence: inframe insertion.
Genome position (GRCh38, 1-based): chr6:112,172,720-112,172,725, TAGTCA duplicated on the plus strand (TGACTA on the coding strand, the reverse complement: LAMA4 is on the minus strand); duplicating any 6 consecutive bases within chr6:112,172,720-112,172,726 gives the same sequence; the c. name uses the placement nearest the transcript's 3' end. VCF-style (leftmost placement, unchanged base first): chr6-112172719-G-GTAGTCA. GRCh37 (hg19) VCF-style: chr6-112493921-G-GTAGTCA.
Other names: c.1416_1421dup, p.Asp473_Tyr474dup (NM_001105207.3, NM_002290.5); c.1416_1421dupTGACTA (NM_002290.4, NM_002290.3); c.1416_1421dup (LRG_433t2).
Identifiers: ClinVar variation 432525 (VCV000432525.12), dbSNP rs782294432, ClinGen allele CA3965770.